The following is an entry in ClinVar:

ClinVar aggregate classification (germline): Uncertain significance (1 of 4 stars; one submission).

Submission:

Labcorp Genetics (formerly Invitae), Labcorp
Classification: Uncertain significance. Last evaluated: 2022-09-07. Review status: criteria provided, single submitter. Criteria: Invitae Variant Classification Sherloc (09022015). Collection method: clinical testing. Allele origin: germline.
Comment: In summary, the available evidence is currently insufficient to determine the role of this variant in disease. Therefore, it has been classified as a Variant of Uncertain Significance. Algorithms developed to predict the effect of missense changes on protein structure and function are either unavailable or do not agree on the potential impact of this missense change (SIFT: "Not Available"; PolyPhen-2: "Benign"; Align-GVGD: "Not Available"). This variant has not been reported in the literature in individuals affected with CTU2-related conditions. This variant is present in population databases (rs754150426, gnomAD 0.03%). This sequence change replaces glutamine, which is neutral and polar, with glutamic acid, which is acidic and polar, at codon 184 of the CTU2 protein (p.Gln184Glu).

NM_001012759.3(CTU2):c.550C>G (p.Gln184Glu)

Gene: CTU2 (cytosolic thiouridylase subunit 2; plus strand). Cytogenetic location: 16q24.3.
Variant type: single nucleotide variant.
Coding change: c.550C>G on transcript NM_001012759.3 (MANE Select); coding-DNA position 550, C replaced by G.
Protein change: p.Gln184Glu; replaces glutamine 184 with glutamic acid.
Molecular consequence: missense variant.
Genome position (GRCh38, 1-based): chr16:88,712,718, C>G. VCF-style: chr16-88712718-C-G. GRCh37 (hg19) VCF-style: chr16-88779126-C-G.
Other names: c.550C>G, p.Gln184Glu (NM_001012762.3); c.763C>G, p.Gln255Glu (NM_001318507.2); c.289C>G, p.Gln97Glu (NM_001318513.2); short protein forms Q184E, Q255E, Q97E.
Identifiers: ClinVar variation 2418320 (VCV002418320.6), dbSNP rs754150426, ClinGen allele CA8230388.
Genomic context (GRCh38, chr16:88,712,718, plus strand): 5'-GCCCAGGAGCTGGTGGGATCCGAGGGGGCCTACAAGGCGGCCGTGGACAGCTTCCTCCAG[C>G]AGCAGCATGTGCTGGGGGCCGGGGGTGGTCCTGGCCCGACTCAAGGGGAGGAACAGCCAC-3'
Protein context (NP_001012777.1, residues 174-194): YKAAVDSFLQ[Gln184Glu]QHVLGAGGGP